The following is an entry in ClinVar:

NM_203447.4(DOCK8):c.998T>C (p.Val333Ala)

Gene: DOCK8 (dedicator of cytokinesis 8; plus strand). Cytogenetic location: 9p24.3.
Variant type: single nucleotide variant.
Coding change: c.998T>C on transcript NM_203447.4 (MANE Select); coding-DNA position 998, T replaced by C.
Protein change: p.Val333Ala; replaces valine 333 with alanine.
Molecular consequence: missense variant.
Genome position (GRCh38, 1-based): chr9:328,125, T>C. VCF-style: chr9-328125-T-C. GRCh37 (hg19) VCF-style: chr9-328125-T-C.
Other names: c.794T>C, p.Val265Ala (NM_001190458.2, NM_001193536.2); short protein forms V333A, V265A.
Identifiers: ClinVar variation 1390341 (VCV001390341.4), dbSNP rs567797868, ClinGen allele CA372751424.

ClinVar aggregate classification (germline): Uncertain significance (1 of 4 stars; one submission).

Allele frequency attached by ClinVar (database versions not stated): gnomAD 0.00002.
gnomAD v4.1: 19 of 1,614,066 alleles (0.0012%); highest among the groups gnomAD compares: Non-Finnish European, 0.0016%; no homozygotes.

Submission:

Labcorp Genetics (formerly Invitae), Labcorp
Classification: Uncertain significance for Combined immunodeficiency due to DOCK8 deficiency. Last evaluated: 2024-08-08. Review status: criteria provided, single submitter. Criteria: Invitae Variant Classification Sherloc (09022015). Collection method: clinical testing. Allele origin: germline.
Comment: This sequence change replaces valine, which is neutral and non-polar, with alanine, which is neutral and non-polar, at codon 333 of the DOCK8 protein (p.Val333Ala). This variant is not present in population databases (gnomAD no frequency). This variant has not been reported in the literature in individuals affected with DOCK8-related conditions. ClinVar contains an entry for this variant (Variation ID: 1390341). Advanced modeling of protein sequence and biophysical properties (such as structural, functional, and spatial information, amino acid conservation, physicochemical variation, residue mobility, and thermodynamic stability) performed at Invitae indicates that this missense variant is not expected to disrupt DOCK8 protein function with a negative predictive value of 80%. In summary, the available evidence is currently insufficient to determine the role of this variant in disease. Therefore, it has been classified as a Variant of Uncertain Significance.